The following is an entry in ClinVar:

ClinVar aggregate classification (germline): Pathogenic. Review status: reviewed by expert panel (3 of 4 stars). 5 submissions from 5 submitters: Pathogenic (1). 4 of the submissions do not count toward it. Last evaluated 2016-10-18.

Conditions:
Breast-ovarian cancer, familial, susceptibility to, 2 (BROVCA2). Also called: BRCA2 Hereditary Breast and Ovarian Cancer. Identifiers: Orphanet 145, MedGen C2675520, MONDO:0012933, OMIM 612555. Disease mechanism: loss of function.
Hereditary breast ovarian cancer syndrome. Also called: BRCA1- and BRCA2-Associated Hereditary Breast and Ovarian Cancer; Hereditary breast and ovarian cancer; Breast and ovarian cancer; Hereditary breast and/or ovarian cancer syndrome; Hereditary breast and ovarian cancer syndrome; Hereditary breast and ovarian cancer syndrome (HBOC). Identifiers: Orphanet 145, MedGen C0677776, MeSH D061325, MONDO:0003582. Disease mechanism: loss of function.
Hereditary cancer-predisposing syndrome. Also called: Hereditary neoplastic syndrome; Neoplastic Syndromes, Hereditary; Tumor predisposition; Hereditary Cancer Syndrome. Identifiers: Orphanet 140162, MedGen C0027672, MeSH D009386, MONDO:0015356.

Submissions (5):

Evidence-based Network for the Interpretation of Germline Mutant Alleles (ENIGMA)
Classification: Pathogenic for Breast-ovarian cancer, familial, susceptibility to, 2. Last evaluated: 2016-10-18. Review status: reviewed by expert panel. Criteria: ENIGMA BRCA1/2 Classification Criteria (2015). Collection method: curation. Allele origin: germline.
Comment: Variant allele predicted to encode a truncated non-functional protein.

Labcorp Genetics (formerly Invitae), Labcorp
Classification: Pathogenic for Hereditary breast ovarian cancer syndrome. Last evaluated: 2025-04-10. Review status: criteria provided, single submitter. Criteria: Invitae Variant Classification Sherloc (09022015). Collection method: clinical testing. Allele origin: germline. Not counted in ClinVar's aggregate classification.
Comment: This sequence change creates a premature translational stop signal (p.Gln2501*) in the BRCA2 gene. It is expected to result in an absent or disrupted protein product. Loss-of-function variants in BRCA2 are known to be pathogenic (PMID: 20104584). This variant is not present in population databases (gnomAD no frequency). This premature translational stop signal has been observed in individual(s) with personal and/or family history of breast and/or ovarian cancer (PMID: 24549055, 30972954). ClinVar contains an entry for this variant (Variation ID: 267015). For these reasons, this variant has been classified as Pathogenic.

GeneDx
Classification: Pathogenic. Last evaluated: 2025-02-21. Review status: criteria provided, single submitter. Criteria: GeneDx Variant Classification Process June 2021. Collection method: clinical testing. Allele origin: germline. Affected: yes. Not counted in ClinVar's aggregate classification.
Comment: Not observed at significant frequency in large population cohorts (gnomAD); Nonsense variant predicted to result in protein truncation or nonsense mediated decay in a gene for which loss of function is a known mechanism of disease; Truncating variants in this gene are considered pathogenic by a well-established clinical consortium and/or database; Also known as 7729C>T; This variant is associated with the following publications: (PMID: 31191615, 29446198, 24549055, 30972954, 33054725, 31853058)

Ambry Genetics
Classification: Pathogenic for Hereditary cancer-predisposing syndrome. Last evaluated: 2024-02-26. Review status: criteria provided, single submitter. Criteria: Ambry Variant Classification Scheme 2023. Collection method: clinical testing. Allele origin: germline. Not counted in ClinVar's aggregate classification.
Comment: The p.Q2501* pathogenic mutation (also known as c.7501C>T), located in coding exon 14 of the BRCA2 gene, results from a C to T substitution at nucleotide position 7501. This changes the amino acid from a glutamine to a stop codon within coding exon 14. This mutation has been reported in an individual with a personal or family history of breast and/or ovarian cancer (Castera L et al. Eur J Hum Genet. 2014 Nov;22(11):1305-13). In addition to the clinical data presented in the literature, this alteration is expected to result in loss of function by premature protein truncation or nonsense-mediated mRNA decay. As such, this alteration is interpreted as a disease-causing mutation.

Consortium of Investigators of Modifiers of BRCA1/2 (CIMBA), c/o University of Cambridge
Classification: Pathogenic for Breast-ovarian cancer, familial, susceptibility to, 2. Last evaluated: 2015-10-02. Review status: criteria provided, single submitter. Criteria: CIMBA Mutation Classification guidelines May 2016. Collection method: clinical testing. Allele origin: germline. Not counted in ClinVar's aggregate classification.

Literature cited by the submitters: PubMed 20104584 (cited by Labcorp Genetics (formerly Invitae), Labcorp); PubMed 24549055 (cited by Labcorp Genetics (formerly Invitae), Labcorp); PubMed 30972954 (cited by Labcorp Genetics (formerly Invitae), Labcorp).

NM_000059.4(BRCA2):c.7501C>T (p.Gln2501Ter)

Gene: BRCA2 (BRCA2 DNA repair associated; plus strand). Cytogenetic location: 13q13.1.
Variant type: single nucleotide variant.
Coding change: c.7501C>T on transcript NM_000059.4 (MANE Select); coding-DNA position 7501, C replaced by T.
Protein change: p.Gln2501Ter; replaces glutamine 2501 with a stop codon.
Molecular consequence: nonsense.
Genome position (GRCh38, 1-based): chr13:32,356,493, C>T. VCF-style: chr13-32356493-C-T. GRCh37 (hg19) VCF-style: chr13-32930630-C-T.
Other names: 7729C>T (Q2501X); short protein forms Q2501*.
Identifiers: ClinVar variation 267015 (VCV000267015.18), dbSNP rs886040711, ClinGen allele CA10589432.